The following is an entry in ClinVar:

ClinVar aggregate classification (germline): Benign. Review status: criteria provided, multiple submitters, no conflicts (2 of 4 stars). 4 submissions from 4 submitters: Benign (4). Last evaluated 2026-02-02.

Conditions:
Congenital stationary night blindness 1E. Also called: Night blindness, congenital stationary (complete), 1E, autosomal recessive. Identifiers: Orphanet 215, MedGen C3281215, MONDO:0013807, OMIM 614565.

Allele frequency attached by ClinVar (database versions not stated): gnomAD exomes 0.00486 and 0.01267; ExAC 0.01606; gnomAD 0.05203 and 0.05624; ESP Exome Variant Server 0.05365; 1000 Genomes Project 0.05811; TOPMed 0.05826; 1000 Genomes Project 30x 0.06027.
gnomAD v4.1: 15,332 of 1,610,012 alleles (0.95%); highest among the groups gnomAD compares: African/African-American, 18%; 1,296 homozygotes.

Submissions (4):

Labcorp Genetics (formerly Invitae), Labcorp
Classification: Benign. Last evaluated: 2026-02-02. Review status: criteria provided, single submitter. Criteria: Invitae Variant Classification Sherloc (09022015). Collection method: clinical testing. Allele origin: germline.

GeneDx
Classification: Benign. Last evaluated: 2021-05-04. Review status: criteria provided, single submitter. Criteria: GeneDx Variant Classification Process June 2021. Collection method: clinical testing. Allele origin: germline. Affected: yes.

Illumina Laboratory Services, Illumina
Classification: Benign for Congenital stationary night blindness 1E. Last evaluated: 2018-01-13. Review status: criteria provided, single submitter. Criteria: ICSL Variant Classification Criteria 13 December 2019. Collection method: clinical testing. Allele origin: germline.
Comment: This variant was observed in the ICSL laboratory as part of a predisposition screen in an ostensibly healthy population. It had not been previously curated by ICSL or reported in the Human Gene Mutation Database (HGMD: prior to June 1st, 2018), and was therefore a candidate for classification through an automated scoring system. Utilizing variant allele frequency, disease prevalence and penetrance estimates, and inheritance mode, an automated score was calculated to assess if this variant is too frequent to cause the disease. Based on the score and internal cut-off values, a variant classified as benign is not then subjected to further curation. The score for this variant resulted in a classification of benign for this disease.

Breakthrough Genomics
Classification: Benign. Review status: criteria provided, single submitter. Criteria: ACMG Guidelines, 2015. Collection method: not provided. Allele origin: germline. Inheritance: Autosomal recessive inheritance. Affected: yes.

NM_001004334.4(GPR179):c.7080T>G (p.Thr2360=)

Gene: GPR179 (G protein-coupled receptor 179; minus strand). Cytogenetic location: 17q12.
Variant type: single nucleotide variant.
Coding change: c.7080T>G on transcript NM_001004334.4 (MANE Select); coding-DNA position 7080, T replaced by G.
Protein change: p.Thr2360=; no amino-acid change (threonine 2360 retained).
Molecular consequence: synonymous variant.
Genome position (GRCh38, 1-based): chr17:38,326,489, A>C on the plus strand (T>G on the coding strand, the complement: GPR179 is on the minus strand). VCF-style: chr17-38326489-A-C. GRCh37 (hg19) VCF-style: chr17-36482372-A-C.
Identifiers: ClinVar variation 322963 (VCV000322963.16), dbSNP rs58740367, ClinGen allele CA10650007.